The following is an entry in ClinVar:

NM_001411127.1(PRX):c.37G>A (p.Gly13Arg)

Gene: PRX (periaxin; minus strand). Cytogenetic location: 19q13.2.
Variant type: single nucleotide variant.
Coding change: c.37G>A on transcript NM_001411127.1; coding-DNA position 37, G replaced by A.
Protein change: p.Gly13Arg; replaces glycine 13 with arginine.
Molecular consequence: missense variant.
Genome position (GRCh38, 1-based): chr19:40,414,706, C>T on the plus strand (G>A on the coding strand, the complement: PRX is on the minus strand). VCF-style: chr19-40414706-C-T. GRCh37 (hg19) VCF-style: chr19-40920613-C-T.
Other names: short protein forms G13R.
Identifiers: ClinVar variation 4873732 (VCV004873732.2).

ClinVar aggregate classification (germline): Uncertain significance (1 of 4 stars; one submission).

gnomAD v4.1: 5 of 152,284 alleles (0.0033%); highest among the groups gnomAD compares: South Asian, 0.041%; no homozygotes.

Submission:

CeGaT Center for Human Genetics Tuebingen
Classification: Uncertain significance. Last evaluated: 2026-06-01. Review status: criteria provided, single submitter. Criteria: CeGaT Center For Human Genetics Tuebingen Variant Classification Criteria Version 2. Collection method: clinical testing. Allele origin: germline. Affected: yes. Observed: 1 variant allele.
Comment: PRX: PM2